The following is an entry in ClinVar:

NM_000023.4(SGCA):c.241C>A (p.Arg81Ser)

Gene: SGCA (sarcoglycan alpha; plus strand). Cytogenetic location: 17q21.33.
Variant type: single nucleotide variant.
Coding change: c.241C>A on transcript NM_000023.4 (MANE Select); coding-DNA position 241, C replaced by A.
Protein change: p.Arg81Ser; replaces arginine 81 with serine.
Molecular consequence: missense variant. On other transcripts: non-coding transcript variant (1).
Genome position (GRCh38, 1-based): chr17:50,167,665, C>A. VCF-style: chr17-50167665-C-A. GRCh37 (hg19) VCF-style: chr17-48245026-C-A.
Other names: c.241C>A, p.Arg81Ser (NM_001135697.3); short protein forms R81S.
Identifiers: ClinVar variation 1414624 (VCV001414624.6), dbSNP rs398123098, ClinGen allele CA8643737.

ClinVar aggregate classification (germline): Likely pathogenic (1 of 4 stars; one submission).

Conditions:
Autosomal recessive limb-girdle muscular dystrophy type 2D (LGMDR3). Also called: MUSCULAR DYSTROPHY, LIMB-GIRDLE, AUTOSOMAL RECESSIVE 3; DUCHENNE-LIKE AUTOSOMAL RECESSIVE MUSCULAR DYSTROPHY, TYPE 2; ADHALINOPATHY, PRIMARY. Identifiers: Orphanet 62, MedGen C2936332, MONDO:0011968, OMIM 608099. Disease mechanism: Affects gamma-sarcoglycan and also disrupts the integrity of the entire sarcoglycan complex..

Allele frequency attached by ClinVar (database versions not stated): ExAC 0.00001.

Submission:

Labcorp Genetics (formerly Invitae), Labcorp
Classification: Likely pathogenic for Autosomal recessive limb-girdle muscular dystrophy type 2D. Last evaluated: 2024-04-16. Review status: criteria provided, single submitter. Criteria: Invitae Variant Classification Sherloc (09022015). Collection method: clinical testing. Allele origin: germline.
Comment: This sequence change replaces arginine, which is basic and polar, with serine, which is neutral and polar, at codon 81 of the SGCA protein (p.Arg81Ser). This variant is present in population databases (rs398123098, gnomAD 0.007%). This variant has not been reported in the literature in individuals affected with SGCA-related conditions. ClinVar contains an entry for this variant (Variation ID: 1414624). Advanced modeling of protein sequence and biophysical properties (such as structural, functional, and spatial information, amino acid conservation, physicochemical variation, residue mobility, and thermodynamic stability) performed at Invitae indicates that this missense variant is expected to disrupt SGCA protein function with a positive predictive value of 95%. This variant disrupts the p.Arg81 amino acid residue in SGCA. Other variant(s) that disrupt this residue have been determined to be pathogenic (PMID: 24742800, 26453141, 30345904). This suggests that this residue is clinically significant, and that variants that disrupt this residue are likely to be disease-causing. In summary, the currently available evidence indicates that the variant is pathogenic, but additional data are needed to prove that conclusively. Therefore, this variant has been classified as Likely Pathogenic.

Literature cited by the submitters: PubMed 24742800; PubMed 26453141; PubMed 30345904.